The following is an entry in ClinVar:

NM_024312.5(GNPTAB):c.772T>C (p.Leu258=)

Gene: GNPTAB (N-acetylglucosamine-1-phosphate transferase subunits alpha and beta; minus strand). Cytogenetic location: 12q23.2.
Variant type: single nucleotide variant.
Coding change: c.772T>C on transcript NM_024312.5 (MANE Select); coding-DNA position 772, T replaced by C.
Protein change: p.Leu258=; no amino-acid change (leucine 258 retained).
Molecular consequence: synonymous variant.
Genome position (GRCh38, 1-based): chr12:101,771,157, A>G on the plus strand (T>C on the coding strand, the complement: GNPTAB is on the minus strand). VCF-style: chr12-101771157-A-G. GRCh37 (hg19) VCF-style: chr12-102164935-A-G.
Identifiers: ClinVar variation 1047349 (VCV001047349.5), dbSNP rs1042427154, ClinGen allele CA242463096.

ClinVar aggregate classification (germline): Uncertain significance. Review status: criteria provided, single submitter (1 of 4 stars). 2 submissions from 2 submitters: Uncertain significance (1). 1 of the submissions does not count toward it. Last evaluated 2021-11-06.

Conditions:
Mucolipidosis type II. Also called: Mucolipidosis 2; ML 2; Inclusion cell disease; Leroy Disease; N-acetylglucosamine 1phosphotransferase deficiency; ML disorder type 2. Identifiers: Orphanet 576, MedGen C2673377, MONDO:0009650, OMIM 252500.
Pseudo-Hurler polydystrophy. Also called: ML IIIA; Mucolipidosis III Alpha/Beta; MUCOLIPIDOSIS IIIA; ML III; ML III ALPHA/BETA; Type III Mucolipidosis. Identifiers: Orphanet 423461, Orphanet 577, MedGen C0033788, MONDO:0018931, OMIM 252600.

Allele frequency attached by ClinVar (database versions not stated): TOPMed 0.00001; gnomAD 0.00003; gnomAD exomes below 0.00001.
gnomAD v4.1: 9 of 1,612,566 alleles (0.00056%); highest among the groups gnomAD compares: African/African-American, 0.0013%; no homozygotes.

Submissions (2):

Labcorp Genetics (formerly Invitae), Labcorp
Classification: Uncertain significance for Pseudo-Hurler polydystrophy; Mucolipidosis type II. Last evaluated: 2021-11-06. Review status: criteria provided, single submitter. Criteria: Invitae Variant Classification Sherloc (09022015). Collection method: clinical testing. Allele origin: germline.
Comment: This sequence change affects codon 258 of the GNPTAB mRNA. It is a 'silent' change, meaning that it does not change the encoded amino acid sequence of the GNPTAB protein. It affects a nucleotide within the consensus splice site. This variant is not present in population databases (gnomAD no frequency). This variant has not been reported in the literature in individuals affected with GNPTAB-related conditions. ClinVar contains an entry for this variant (Variation ID: 1047349). Algorithms developed to predict the effect of sequence changes on RNA splicing suggest that this variant is not likely to affect RNA splicing. In summary, the available evidence is currently insufficient to determine the role of this variant in disease. Therefore, it has been classified as a Variant of Uncertain Significance.

Natera, Inc.
Classification: Uncertain significance for Mucolipidosis type II. Last evaluated: 2020-07-31. Review status: no assertion criteria provided. Collection method: clinical testing. Allele origin: germline. Not counted in ClinVar's aggregate classification.